The following is an entry in ClinVar:

ClinVar aggregate classification (germline): Pathogenic/Likely pathogenic. Review status: criteria provided, multiple submitters, no conflicts (2 of 4 stars). 2 submissions from 2 submitters: Pathogenic (1); Likely pathogenic (1). Last evaluated 2022-07-05.

Conditions:
Mitchell syndrome. Identifiers: Orphanet 631248, MedGen C5394554, MONDO:0030073, OMIM 618960.
Acyl-CoA oxidase deficiency. Also called: Pseudoneonatal adrenoleukodystrophy; Peroxisomal acyl-CoA oxidase deficiency; STRAIGHT-CHAIN ACYL-CoA OXIDASE DEFICIENCY. Identifiers: Orphanet 2971, MedGen C1849678, MONDO:0009919, OMIM 264470. Disease mechanism: loss of function.

Submissions (2):

Baylor Genetics
Classification: Likely pathogenic for Mitchell syndrome. Last evaluated: 2022-07-05. Review status: criteria provided, single submitter. Criteria: ACMG Guidelines, 2015. Collection method: clinical testing. Allele origin: unknown.

Labcorp Genetics (formerly Invitae), Labcorp
Classification: Pathogenic for Acyl-CoA oxidase deficiency. Last evaluated: 2022-06-28. Review status: criteria provided, single submitter. Criteria: Invitae Variant Classification Sherloc (09022015). Collection method: clinical testing. Allele origin: germline.
Comment: For these reasons, this variant has been classified as Pathogenic. This variant has not been reported in the literature in individuals affected with ACOX1-related conditions. This variant is not present in population databases (gnomAD no frequency). This sequence change creates a premature translational stop signal (p.Glu84*) in the ACOX1 gene. It is expected to result in an absent or disrupted protein product. Loss-of-function variants in ACOX1 are known to be pathogenic (PMID: 8040306, 17458872).

Literature cited by the submitters: PubMed 8040306 (cited by Labcorp Genetics (formerly Invitae), Labcorp); PubMed 17458872 (cited by Labcorp Genetics (formerly Invitae), Labcorp).

NM_004035.7(ACOX1):c.250G>T (p.Glu84Ter)

Gene: ACOX1 (acyl-CoA oxidase 1; minus strand). Cytogenetic location: 17q25.1.
Variant type: single nucleotide variant.
Coding change: c.250G>T on transcript NM_004035.7 (MANE Select); coding-DNA position 250, G replaced by T.
Protein change: p.Glu84Ter; replaces glutamic acid 84 with a stop codon.
Molecular consequence: nonsense.
Genome position (GRCh38, 1-based): chr17:75,978,553, C>A on the plus strand (G>T on the coding strand, the complement: ACOX1 is on the minus strand). VCF-style: chr17-75978553-C-A. GRCh37 (hg19) VCF-style: chr17-73974634-C-A.
Other names: c.136G>T, p.Glu46Ter (NM_001185039.2); c.250G>T, p.Glu84Ter (NM_007292.6); short protein forms E46*, E84*.
Identifiers: ClinVar variation 1960019 (VCV001960019.6), dbSNP rs2546097855, ClinGen allele CA401082195.